The following is an entry in ClinVar:

ClinVar aggregate classification (germline): Uncertain significance (1 of 4 stars; one submission).

Conditions:
Ataxia-telangiectasia syndrome (AT). Also called: Ataxia-telangiectasia; LOUIS-BAR SYNDROME; Ataxia-telangiectasia, complementation group D; AT, COMPLEMENTATION GROUP C; ATAXIA-TELANGIECTASIA, COMPLEMENTATION GROUP A; ATAXIA-TELANGIECTASIA, FRESNO VARIANT. Identifiers: Orphanet 100, MedGen C0004135, MONDO:0008840, OMIM 208900.

Submission:

Labcorp Genetics (formerly Invitae), Labcorp
Classification: Uncertain significance for Ataxia-telangiectasia syndrome. Last evaluated: 2022-11-16. Review status: criteria provided, single submitter. Criteria: Invitae Variant Classification Sherloc (09022015). Collection method: clinical testing. Allele origin: germline.
Comment: ClinVar contains an entry for this variant (Variation ID: 1377085). This variant has not been reported in the literature in individuals affected with ATM-related conditions. This variant is not present in population databases (gnomAD no frequency). This sequence change replaces isoleucine, which is neutral and non-polar, with methionine, which is neutral and non-polar, at codon 2876 of the ATM protein (p.Ile2876Met). Algorithms developed to predict the effect of missense changes on protein structure and function are either unavailable or do not agree on the potential impact of this missense change (SIFT: "Deleterious"; PolyPhen-2: "Probably Damaging"; Align-GVGD: "Class C0"). In summary, the available evidence is currently insufficient to determine the role of this variant in disease. Therefore, it has been classified as a Variant of Uncertain Significance.

NM_000051.4(ATM):c.8628C>G (p.Ile2876Met)

Genes: ATM (ATM serine/threonine kinase; plus strand), C11orf65 (chromosome 11 open reading frame 65; minus strand). Cytogenetic location: 11q22.3.
Variant type: single nucleotide variant.
Coding change: c.8628C>G on transcript NM_000051.4 (MANE Select); coding-DNA position 8628, C replaced by G.
Protein change: p.Ile2876Met; replaces isoleucine 2876 with methionine.
Molecular consequence: missense variant. On other transcripts: intron variant (2).
Genome position (GRCh38, 1-based): chr11:108,347,322, C>G. VCF-style: chr11-108347322-C-G. GRCh37 (hg19) VCF-style: chr11-108218049-C-G.
Other names: c.8628C>G, p.Ile2876Met (NM_001351834.2); c.641-38251G>C (NM_001330368.2); c.695-12030G>C (NM_001351110.2); short protein forms I2876M.
Identifiers: ClinVar variation 1377085 (VCV001377085.7), dbSNP rs1555139577, ClinGen allele CA382520795.